The following is an entry in ClinVar:

NM_031885.5(BBS2):c.642C>T (p.Gly214=)

Gene: BBS2 (Bardet-Biedl syndrome 2; minus strand). Cytogenetic location: 16q13.
Variant type: single nucleotide variant.
Coding change: c.642C>T on transcript NM_031885.5 (MANE Select); coding-DNA position 642, C replaced by T.
Protein change: p.Gly214=; no amino-acid change (glycine 214 retained).
Molecular consequence: synonymous variant. On other transcripts: non-coding transcript variant (5).
Genome position (GRCh38, 1-based): chr16:56,506,195, G>A on the plus strand (C>T on the coding strand, the complement: BBS2 is on the minus strand). VCF-style: chr16-56506195-G-A. GRCh37 (hg19) VCF-style: chr16-56540107-G-A.
Other names: c.642C>T, p.Gly214= (NM_001377456.1).
Identifiers: ClinVar variation 650180 (VCV000650180.14), dbSNP rs141563594, ClinGen allele CA8065973.

ClinVar aggregate classification (germline): Conflicting classifications of pathogenicity. Review status: criteria provided, conflicting classifications (1 of 4 stars). 5 submissions from 5 submitters: Uncertain significance (1); Likely benign (1). 3 of the submissions do not count toward it. Last evaluated 2025-12-17.

Conditions:
Bardet-Biedl syndrome (BBS). Identifiers: Orphanet 110, MedGen C0752166, MONDO:0015229.
BBS2-related disorder. Also called: BBS2-related condition; BBS2-related disorders. Identifiers: MedGen CN239228.
Retinal dystrophy. Also called: Inherited retinal dystrophy. Identifiers: Orphanet 71862, MedGen C0854723, MeSH D058499, MONDO:0019118, HP:0000556.
Bardet-Biedl syndrome 2 (BBS2). Identifiers: Orphanet 110, MedGen C2936863, MONDO:0014432, OMIM 615981.

Allele frequency attached by ClinVar (database versions not stated): ExAC 0.00007; gnomAD exomes 0.00007 and 0.00011; ESP Exome Variant Server 0.00008; TOPMed 0.00008; gnomAD 0.00010; 1000 Genomes Project 30x 0.00016; 1000 Genomes Project 0.00020.
gnomAD v4.1: 177 of 1,613,862 alleles (0.011%); highest among the groups gnomAD compares: Admixed American, 0.02%; 1 homozygote.

Submissions (5):

Labcorp Genetics (formerly Invitae), Labcorp
Classification: Likely benign for Bardet-Biedl syndrome. Last evaluated: 2025-12-17. Review status: criteria provided, single submitter. Criteria: Invitae Variant Classification Sherloc (09022015). Collection method: clinical testing. Allele origin: germline.

Illumina Laboratory Services, Illumina
Classification: Uncertain significance for Bardet-Biedl syndrome 2. Last evaluated: 2018-01-13. Review status: criteria provided, single submitter. Criteria: ICSL Variant Classification Criteria 13 December 2019. Collection method: clinical testing. Allele origin: germline.

Institute of Human Genetics, Univ. Regensburg, Univ. Regensburg
Classification: Uncertain significance for Retinal dystrophy. Last evaluated: 2022-01-01. Review status: no assertion criteria provided. Criteria: ACMG Guidelines, 2015. Collection method: clinical testing. Allele origin: germline. Affected: yes. Not counted in ClinVar's aggregate classification.

PreventionGenetics, part of Exact Sciences
Classification: Likely benign for BBS2-related condition. Last evaluated: 2021-12-22. Review status: no assertion criteria provided. Collection method: clinical testing. Allele origin: germline. Not counted in ClinVar's aggregate classification.
Comment: This variant is classified as likely benign based on ACMG/AMP sequence variant interpretation guidelines (Richards et al. 2015 PMID: 25741868, with internal and published modifications).

Natera, Inc.
Classification: Uncertain significance for Bardet-Biedl syndrome type 2. Last evaluated: 2020-09-16. Review status: no assertion criteria provided. Collection method: clinical testing. Allele origin: germline. Not counted in ClinVar's aggregate classification.